The following is an entry in ClinVar:

ClinVar aggregate classification (germline): Uncertain significance (1 of 4 stars; one submission).

Conditions:
Duane-radial ray syndrome (DRRS). Also called: ACRORENOOCULAR SYNDROME; DR SYNDROME; DUANE ANOMALY WITH RADIAL RAY ABNORMALITIES AND DEAFNESS; Okihiro Syndrome; Duane-Radial Ray Syndrome/Okihiro Syndrome; Duane-Radial Ray Syndrome (DRRS) / Okihiro Syndrome. Identifiers: Orphanet 93293, Orphanet 959, MedGen C1623209, MONDO:0011812, OMIM 607323. Disease mechanism: gain of function.

Submission:

Labcorp Genetics (formerly Invitae), Labcorp
Classification: Uncertain significance for Duane-radial ray syndrome. Last evaluated: 2026-01-04. Review status: criteria provided, single submitter. Criteria: Invitae Variant Classification Sherloc (09022015). Collection method: clinical testing. Allele origin: germline.
Comment: This sequence change replaces asparagine, which is neutral and polar, with serine, which is neutral and polar, at codon 97 of the SALL4 protein (p.Asn97Ser). This variant is not present in population databases (gnomAD no frequency). This variant has not been reported in the literature in individuals affected with SALL4-related conditions. An algorithm developed to predict the effect of missense changes on protein structure and function (PolyPhen-2) suggests that this variant is likely to be tolerated. In summary, the available evidence is currently insufficient to determine the role of this variant in disease. Therefore, it has been classified as a Variant of Uncertain Significance.

NM_020436.5(SALL4):c.290A>G (p.Asn97Ser)

Gene: SALL4 (spalt like transcription factor 4; minus strand). Cytogenetic location: 20q13.2.
Variant type: single nucleotide variant.
Coding change: c.290A>G on transcript NM_020436.5 (MANE Select); coding-DNA position 290, A replaced by G.
Protein change: p.Asn97Ser; replaces asparagine 97 with serine.
Molecular consequence: missense variant.
Genome position (GRCh38, 1-based): chr20:51,792,193, T>C on the plus strand (A>G on the coding strand, the complement: SALL4 is on the minus strand). VCF-style: chr20-51792193-T-C. GRCh37 (hg19) VCF-style: chr20-50408732-T-C.
Other names: c.290A>G, p.Asn97Ser (NM_001318031.2); short protein forms N97S.
Identifiers: ClinVar variation 4734353 (VCV004734353.1).